The following is an entry in ClinVar:

NM_152327.5(AK7):c.1000G>A (p.Val334Met)

Gene: AK7 (adenylate kinase 7; plus strand). Cytogenetic location: 14q32.2.
Variant type: single nucleotide variant.
Coding change: c.1000G>A on transcript NM_152327.5 (MANE Select); coding-DNA position 1000, G replaced by A.
Protein change: p.Val334Met; replaces valine 334 with methionine.
Molecular consequence: missense variant.
Genome position (GRCh38, 1-based): chr14:96,451,472, G>A. VCF-style: chr14-96451472-G-A. GRCh37 (hg19) VCF-style: chr14-96917809-G-A.
Other names: c.1000G>A, p.Val334Met (NM_001350888.2, NM_001350890.2, NM_001350892.2); c.922G>A, p.Val308Met (NM_001350891.2); short protein forms V308M, V334M.
Identifiers: ClinVar variation 2959275 (VCV002959275.1), dbSNP rs146653383, ClinGen allele CA7337723.
Genomic context (GRCh38, chr14:96,451,472, plus strand): 5'-ATCTTTCAGCAAGATTGTCTTGACCATTTACTGGTCAACTTAAGAATGGAAGCGCTCTTT[G>A]TGAAGGAGAATTTTAATATTCGATGGGCTGCCCAAACAGGATTTGTGGAAAATATCAACA-3'
Protein context (NP_689540.2, residues 324-344): LVNLRMEALF[Val334Met]KENFNIRWAA

ClinVar aggregate classification (germline): Uncertain significance (1 of 4 stars; one submission).

Allele frequency attached by ClinVar (database versions not stated): ExAC 0.00001; gnomAD 0.00001; TOPMed 0.00003; ESP Exome Variant Server 0.00008.
gnomAD v4.1: 19 of 1,598,532 alleles (0.0012%); highest among the groups gnomAD compares: Non-Finnish European, 0.0016%; no homozygotes.

Submission:

Labcorp Genetics (formerly Invitae), Labcorp
Classification: Uncertain significance. Last evaluated: 2023-05-29. Review status: criteria provided, single submitter. Criteria: Invitae Variant Classification Sherloc (09022015). Collection method: clinical testing. Allele origin: germline.
Comment: In summary, the available evidence is currently insufficient to determine the role of this variant in disease. Therefore, it has been classified as a Variant of Uncertain Significance. Advanced modeling of protein sequence and biophysical properties (such as structural, functional, and spatial information, amino acid conservation, physicochemical variation, residue mobility, and thermodynamic stability) performed at Invitae indicates that this missense variant is not expected to disrupt AK7 protein function. This variant has not been reported in the literature in individuals affected with AK7-related conditions. This variant is present in population databases (rs146653383, gnomAD 0.007%). This sequence change replaces valine, which is neutral and non-polar, with methionine, which is neutral and non-polar, at codon 334 of the AK7 protein (p.Val334Met).